The following is an entry in ClinVar:

NM_000059.4(BRCA2):c.916G>A (p.Asp306Asn)

Gene: BRCA2 (BRCA2 DNA repair associated; plus strand). Cytogenetic location: 13q13.1.
Variant type: single nucleotide variant.
Coding change: c.916G>A on transcript NM_000059.4 (MANE Select); coding-DNA position 916, G replaced by A.
Protein change: p.Asp306Asn; replaces aspartic acid 306 with asparagine.
Molecular consequence: missense variant.
Genome position (GRCh38, 1-based): chr13:32,332,394, G>A. VCF-style: chr13-32332394-G-A. GRCh37 (hg19) VCF-style: chr13-32906531-G-A.
Other names: short protein forms D306N.
Identifiers: ClinVar variation 954196 (VCV000954196.13), dbSNP rs781169306, ClinGen allele CA6940475.

ClinVar aggregate classification (germline): Conflicting classifications of pathogenicity. Review status: criteria provided, conflicting classifications (1 of 4 stars). 3 submissions from 3 submitters: Uncertain significance (2); Likely benign (1). Last evaluated 2024-03-06.

Conditions:
Hereditary cancer-predisposing syndrome. Also called: Hereditary neoplastic syndrome; Tumor predisposition; Neoplastic Syndromes, Hereditary; Hereditary Cancer Syndrome. Identifiers: Orphanet 140162, MedGen C0027672, MeSH D009386, MONDO:0015356.
Hereditary breast ovarian cancer syndrome. Also called: Hereditary breast and ovarian cancer; Hereditary breast and/or ovarian cancer syndrome; Hereditary breast and ovarian cancer syndrome; Hereditary breast and ovarian cancer syndrome (HBOC); Breast and ovarian cancer; BRCA1- and BRCA2-Associated Hereditary Breast and Ovarian Cancer. Identifiers: Orphanet 145, MedGen C0677776, MeSH D061325, MONDO:0003582. Disease mechanism: loss of function.

Allele frequency attached by ClinVar (database versions not stated): gnomAD exomes below 0.00001; ExAC 0.00001.
gnomAD v4.1: 1 of 1,591,994 alleles (0.000063%); highest among the groups gnomAD compares: Non-Finnish European, 0.000085%; no homozygotes.

Submissions (3):

Labcorp Genetics (formerly Invitae), Labcorp
Classification: Uncertain significance for Hereditary breast ovarian cancer syndrome. Last evaluated: 2024-03-06. Review status: criteria provided, single submitter. Criteria: Invitae Variant Classification Sherloc (09022015). Collection method: clinical testing. Allele origin: germline.
Comment: This sequence change replaces aspartic acid, which is acidic and polar, with asparagine, which is neutral and polar, at codon 306 of the BRCA2 protein (p.Asp306Asn). This variant is present in population databases (rs781169306, gnomAD 0.0009%). This variant has not been reported in the literature in individuals affected with BRCA2-related conditions. ClinVar contains an entry for this variant (Variation ID: 954196). Advanced modeling of protein sequence and biophysical properties (such as structural, functional, and spatial information, amino acid conservation, physicochemical variation, residue mobility, and thermodynamic stability) performed at Invitae indicates that this missense variant is not expected to disrupt BRCA2 protein function with a negative predictive value of 95%. In summary, the available evidence is currently insufficient to determine the role of this variant in disease. Therefore, it has been classified as a Variant of Uncertain Significance.

University of Washington Department of Laboratory Medicine, University of Washington
Classification: Likely benign for Hereditary cancer-predisposing syndrome. Last evaluated: 2023-03-23. Review status: criteria provided, single submitter. Criteria: Dines et al. (Genet Med. 2020). Collection method: curation. Allele origin: germline.
Comment: Missense variant in a coldspot region where missense variants are very unlikely to be pathogenic (PMID:31911673).

BRCA2 exon 10 coldspot. Reclassification based on statistical prior probability.

Ambry Genetics
Classification: Uncertain significance for Hereditary cancer-predisposing syndrome. Last evaluated: 2022-02-02. Review status: criteria provided, single submitter. Criteria: Ambry Variant Classification Scheme 2023. Collection method: clinical testing. Allele origin: germline.
Comment: The p.D306N variant (also known as c.916G>A), located in coding exon 9 of the BRCA2 gene, results from a G to A substitution at nucleotide position 916. The aspartic acid at codon 306 is replaced by asparagine, an amino acid with highly similar properties. This amino acid position is highly conserved in available vertebrate species. In addition, this alteration is predicted to be tolerated by in silico analysis. Since supporting evidence is limited at this time, the clinical significance of this alteration remains unclear.